The following is an entry in ClinVar:

ClinVar aggregate classification (germline): Uncertain significance. Review status: criteria provided, multiple submitters, no conflicts (2 of 4 stars). 2 submissions from 2 submitters: Uncertain significance (2). Last evaluated 2023-05-10.

Allele frequency attached by ClinVar (database versions not stated): gnomAD exomes below 0.00001; TOPMed below 0.00001.
gnomAD v4.1: 2 of 1,614,108 alleles (0.00012%); highest among the groups gnomAD compares: East Asian, 0.0022%; no homozygotes.

Submissions (2):

GeneDx
Classification: Uncertain significance. Last evaluated: 2023-05-10. Review status: criteria provided, single submitter. Criteria: GeneDx Variant Classification Process June 2021. Collection method: clinical testing. Allele origin: germline. Affected: yes.
Comment: Not observed at significant frequency in large population cohorts (gnomAD); In silico analysis supports that this missense variant has a deleterious effect on protein structure/function; Has not been previously published as pathogenic or benign to our knowledge

Blueprint Genetics
Classification: Uncertain significance. Last evaluated: 2022-05-13. Review status: criteria provided, single submitter. Criteria: ACMG Guidelines, 2015. Collection method: clinical testing. Allele origin: germline.

NM_144991.3(TSPEAR):c.1358G>A (p.Ser453Asn)

Gene: TSPEAR (thrombospondin type laminin G domain and EAR repeats; minus strand). Cytogenetic location: 21q22.3.
Variant type: single nucleotide variant.
Coding change: c.1358G>A on transcript NM_144991.3 (MANE Select); coding-DNA position 1358, G replaced by A.
Protein change: p.Ser453Asn; replaces serine 453 with asparagine.
Molecular consequence: missense variant.
Genome position (GRCh38, 1-based): chr21:44,522,091, C>T on the plus strand (G>A on the coding strand, the complement: TSPEAR is on the minus strand). VCF-style: chr21-44522091-C-T. GRCh37 (hg19) VCF-style: chr21-45941974-C-T.
Other names: c.1154G>A, p.Ser385Asn (NM_001272037.2); short protein forms S385N, S453N.
Identifiers: ClinVar variation 2663076 (VCV002663076.2), dbSNP rs2052746225, ClinGen allele CA410437675.